The following is an entry in ClinVar:

ClinVar aggregate classification (germline): Uncertain significance. Review status: criteria provided, multiple submitters, no conflicts (2 of 4 stars). 2 submissions from 2 submitters: Uncertain significance (2). Last evaluated 2026-01-14.

Conditions:
Charcot-Marie-Tooth disease. Also called: Charcot-Marie-Tooth Neuropathy; Charcot-Marie-Tooth Hereditary Neuropathy. Identifiers: Orphanet 166, MedGen C0007959, MONDO:0015626.
Charcot-Marie-Tooth disease type 2I (CMT2I). Also called: CHARCOT-MARIE-TOOTH DISEASE, AXONAL, TYPE 2I. Identifiers: Orphanet 99942, MedGen C3888087, MONDO:0011889, OMIM 607677.

Submissions (2):

3billion
Classification: Uncertain significance for Charcot-Marie-Tooth disease type 2I. Last evaluated: 2026-01-14. Review status: criteria provided, single submitter. Criteria: ACMG Guidelines, 2015. Collection method: clinical testing. Allele origin: germline. Affected: yes.
Comment: The variant is not observed in the gnomAD v4.1.0 dataset. Predicted Consequence/Location: Missense variant In silico tool predictions suggest damaging effect of the variant on gene or gene product [REVEL: 0.91 (>=0.6, sensitivity 0.68 and specificity 0.92); 3Cnet: 0.98 (> 0.75, sensitivity 0.96 and precision 0.92)]. Different missense changes at the same codon (p.Cys50Gly, p.Cys50Phe, p.Cys50Trp, p.Cys50Tyr) have been reported as pathogenic/likely pathogenic with strong evidence (ClinVar ID: VCV000234908, VCV000637343 /PMID: 19259128, 22433810, 33825325). Therefore, this variant is classified as VUS according to the recommendation of ACMG/AMP guideline.

Molecular Genetics Laboratory, London Health Sciences Centre
Classification: Uncertain significance for Charcot-Marie-Tooth disease. Review status: criteria provided, single submitter. Criteria: ACMG Guidelines, 2015. Collection method: clinical testing. Allele origin: germline. Affected: yes.

Literature cited by the submitters: PubMed 19259128 (cited by 3billion).

NM_000530.8(MPZ):c.149G>C (p.Cys50Ser)

Gene: MPZ (myelin protein zero; minus strand). Cytogenetic location: 1q23.3.
Variant type: single nucleotide variant.
Coding change: c.149G>C on transcript NM_000530.8 (MANE Select); coding-DNA position 149, G replaced by C.
Protein change: p.Cys50Ser; replaces cysteine 50 with serine.
Molecular consequence: missense variant.
Genome position (GRCh38, 1-based): chr1:161,307,343, C>G on the plus strand (G>C on the coding strand, the complement: MPZ is on the minus strand). VCF-style: chr1-161307343-C-G. GRCh37 (hg19) VCF-style: chr1-161277133-C-G.
Other names: c.149G>C, p.Cys50Ser (NM_001315491.2); short protein forms C50S.
Identifiers: ClinVar variation 917382 (VCV000917382.2), dbSNP rs876661287, ClinGen allele CA343351199.